The following is an entry in ClinVar:

NM_001142864.4(PIEZO1):c.1840C>G (p.Leu614Val)

Genes: HSALR1 (HSP90AB1 associated lncRNA 1; plus strand), PIEZO1 (piezo type mechanosensitive ion channel component 1 (Er blood group); minus strand). Cytogenetic location: 16q24.3.
Variant type: single nucleotide variant.
Coding change: c.1840C>G on transcript NM_001142864.4 (MANE Select); coding-DNA position 1840, C replaced by G.
Protein change: p.Leu614Val; replaces leucine 614 with valine.
Molecular consequence: missense variant.
Genome position (GRCh38, 1-based): chr16:88,734,883, G>C on the plus strand (C>G on the coding strand, the complement: PIEZO1 is on the minus strand). VCF-style: chr16-88734883-G-C. GRCh37 (hg19) VCF-style: chr16-88801291-G-C.
Other names: short protein forms L614V.
Identifiers: ClinVar variation 4979447 (VCV004979447.1).
Genomic context (GRCh38, chr16:88,734,883, plus strand): 5'-AGGACCGCGGGGAGGGTCCGTGCCCCAGCCCCCATCCCGGCCCCCCAGCCACCTGGAAGA[G>C]GGTGAGGCAGAGCAGGAAGAGGAACATGTAGACAATCTTGTAGACCACGAGGCGGCCGGC-3'
Protein context (NP_001136336.2, residues 604-624): YMFLFLLCLT[Leu614Val]FQVYYSLWRK

ClinVar aggregate classification (germline): Uncertain significance (1 of 4 stars; one submission).

Conditions:
PIEZO1-related disorder. Also called: PIEZO1-Related Disorders; PIEZO1-related condition.

gnomAD v4.1: 3 of 1,550,248 alleles (0.00019%); highest among the groups gnomAD compares: African/African-American, 0.0027%; no homozygotes.

Submission:

PreventionGenetics, part of Exact Sciences
Classification: Uncertain significance for PIEZO1-related condition. Last evaluated: 2025-06-23. Review status: criteria provided, single submitter. Criteria: ACMG Guidelines, 2015. Collection method: clinical testing. Allele origin: germline.
Comment: The PIEZO1 c.1840C>G variant is predicted to result in the amino acid substitution p.Leu614Val. To our knowledge, this variant has not been reported in the literature. This variant is reported in 0.013% of alleles in individuals of African descent in gnomAD. At this time, the clinical significance of this variant is uncertain due to the absence of conclusive functional and genetic evidence.